The following is an entry in ClinVar:

NM_002432.3(MNDA):c.158A>T (p.Glu53Val)

Gene: MNDA (myeloid cell nuclear differentiation antigen; plus strand). Cytogenetic location: 1q23.1.
Variant type: single nucleotide variant.
Coding change: c.158A>T on transcript NM_002432.3 (MANE Select); coding-DNA position 158, A replaced by T.
Protein change: p.Glu53Val; replaces glutamic acid 53 with valine.
Molecular consequence: missense variant.
Genome position (GRCh38, 1-based): chr1:158,842,311, A>T. VCF-style: chr1-158842311-A-T. GRCh37 (hg19) VCF-style: chr1-158812101-A-T.
Other names: short protein forms E53V.
Identifiers: ClinVar variation 1775874 (VCV001775874.4), dbSNP rs565724910, ClinGen allele CA1185500.
Genomic context (GRCh38, chr1:158,842,311, plus strand): 5'-TAGGACTAACTACAAAAATGCAAGAGGAATACAACAGAATTAAGATTACAGATTTGATGG[A>T]AAAAAAGTTCCAAGGCGTTGCCTGTCTAGACAAACTAATAGAACTTGCCAAAGATATGCC-3'
Protein context (NP_002423.1, residues 43-63): YNRIKITDLM[Glu53Val]KKFQGVACLD

ClinVar aggregate classification (germline): Uncertain significance (1 of 4 stars; one submission).

Allele frequency attached by ClinVar (database versions not stated): TOPMed 0.00001; gnomAD 0.00004; ExAC 0.00026; 1000 Genomes Project 30x 0.00031; 1000 Genomes Project 0.00040.
gnomAD v4.1: 160 of 1,613,918 alleles (0.0099%); highest among the groups gnomAD compares: South Asian, 0.16%; 2 homozygotes.

Submission:

Ambry Genetics
Classification: Uncertain significance. Last evaluated: 2024-10-08. Review status: criteria provided, single submitter. Criteria: Ambry Variant Classification Scheme 2023. Collection method: clinical testing. Allele origin: germline.
Comment: The p.E53V variant (also known as c.158A>T), located in coding exon 1 of the MNDA gene, results from an A to T substitution at nucleotide position 158. The glutamic acid at codon 53 is replaced by valine, an amino acid with dissimilar properties. This amino acid position is conserved. In addition, this alteration is predicted to be tolerated by in silico analysis. Since supporting evidence is limited at this time, the clinical significance of this alteration remains unclear.